The following is an entry in ClinVar:

ClinVar aggregate classification (germline): Likely pathogenic. Review status: criteria provided, multiple submitters, no conflicts (2 of 4 stars). 2 submissions from 2 submitters: Likely pathogenic (2). Last evaluated 2022-10-31.

Conditions:
Cerebellar atrophy, visual impairment, and psychomotor retardation;. Also called: Cerebellar atrophy, visual impairment, and psychomotor retardation. Identifiers: MedGen C4225172, MONDO:0014811, OMIM 616875.

Allele frequency attached by ClinVar (database versions not stated): TOPMed 0.00001; gnomAD 0.00001.
gnomAD v4.1: 2 of 1,609,202 alleles (0.00012%); highest among the groups gnomAD compares: Non-Finnish European, 0.00017%; no homozygotes.

Submissions (2):

Department of Pathology and Laboratory Medicine, Sinai Health System
Classification: Likely pathogenic for Cerebellar atrophy, visual impairment, and psychomotor retardation;. Last evaluated: 2022-10-31. Review status: criteria provided, single submitter. Criteria: ACMG Guidelines, 2015. Collection method: research. Allele origin: germline.

Labcorp Genetics (formerly Invitae), Labcorp
Classification: Likely pathogenic. Last evaluated: 2021-09-19. Review status: criteria provided, single submitter. Criteria: Invitae Variant Classification Sherloc (09022015). Collection method: clinical testing. Allele origin: germline.
Comment: This sequence change affects an acceptor splice site in intron 7 of the EMC1 gene. It is expected to disrupt RNA splicing. Variants that disrupt the donor or acceptor splice site typically lead to a loss of protein function (PMID: 16199547), and loss-of-function variants in EMC1 are known to be pathogenic (PMID: 26572623, 26942288, 29271071). This variant is not present in population databases (ExAC no frequency). This variant has not been reported in the literature in individuals affected with EMC1-related conditions. Algorithms developed to predict the effect of sequence changes on RNA splicing suggest that this variant may disrupt the consensus splice site. In summary, the currently available evidence indicates that the variant is pathogenic, but additional data are needed to prove that conclusively. Therefore, this variant has been classified as Likely Pathogenic.

Literature cited by the submitters: PubMed 16199547 (cited by Labcorp Genetics (formerly Invitae), Labcorp); PubMed 26572623 (cited by Labcorp Genetics (formerly Invitae), Labcorp); PubMed 26942288 (cited by Labcorp Genetics (formerly Invitae), Labcorp); PubMed 29271071 (cited by Labcorp Genetics (formerly Invitae), Labcorp).

NM_015047.3(EMC1):c.787-1G>A

Genes: EMC1 (ER membrane protein complex subunit 1; minus strand), EMC1-AS1 (EMC1 antisense RNA 1; plus strand). Cytogenetic location: 1p36.13.
Variant type: single nucleotide variant.
Coding change: c.787-1G>A on transcript NM_015047.3 (MANE Select); the canonical splice acceptor site of the intron before coding-DNA position 787, G replaced by A.
Molecular consequence: splice acceptor variant.
Genome position (GRCh38, 1-based): chr1:19,239,986, C>T on the plus strand (G>A on the coding strand, the complement: EMC1 is on the minus strand). VCF-style: chr1-19239986-C-T. GRCh37 (hg19) VCF-style: chr1-19566480-C-T.
Other names: c.721-1G>A (NM_001271429.2); c.787-1G>A (NM_001271427.2, NM_001375821.1, NM_001271428.2 and 1 more transcripts).
Identifiers: ClinVar variation 1492499 (VCV001492499.7), dbSNP rs772560574, ClinGen allele CA338768552.
Genomic context (GRCh38, chr1:19,239,986, plus strand): 5'-GTTGGGCTGGGTAGGCAGGACCCGGGGTTGGAATCCACTTCCAAATTCTAAGTCGAGAGA[C>T]TGGAAGGCAAGAAGGAGGAGGATTATGGCTAACAGCTGACGACTCCCTGACCCATCCCAG-3'